The following is an entry in ClinVar:

NM_001134665.3(TRMT10A):c.206G>T (p.Arg69Leu)

Gene: TRMT10A (tRNA methyltransferase 10A; minus strand). Cytogenetic location: 4q23.
Variant type: single nucleotide variant.
Coding change: c.206G>T on transcript NM_001134665.3 (MANE Select); coding-DNA position 206, G replaced by T.
Protein change: p.Arg69Leu; replaces arginine 69 with leucine.
Molecular consequence: missense variant.
Genome position (GRCh38, 1-based): chr4:99,558,191, C>A on the plus strand (G>T on the coding strand, the complement: TRMT10A is on the minus strand). VCF-style: chr4-99558191-C-A. GRCh37 (hg19) VCF-style: chr4-100479348-C-A.
Other names: c.206G>T, p.Arg69Leu (NM_001134666.3, NM_001375880.1, NM_001375881.1 and 2 more transcripts); c.206G>T (NM_152292.4); short protein forms R69L.
Identifiers: ClinVar variation 1434172 (VCV001434172.7), dbSNP rs147815779, ClinGen allele CA3021604.

ClinVar aggregate classification (germline): Uncertain significance. Review status: criteria provided, multiple submitters, no conflicts (2 of 4 stars). 2 submissions from 2 submitters: Uncertain significance (2). Last evaluated 2025-09-14.

Conditions:
TRMT10A-related disorder. Also called: TRMT10A-related condition.

gnomAD v4.1: 66 of 1,595,934 alleles (0.0041%); highest among the groups gnomAD compares: Non-Finnish European, 0.0054%; no homozygotes.

Submissions (2):

PreventionGenetics, part of Exact Sciences
Classification: Uncertain significance for TRMT10A-related condition. Last evaluated: 2025-09-14. Review status: criteria provided, single submitter. Criteria: ACMG Guidelines, 2015. Collection method: clinical testing. Allele origin: germline.
Comment: The TRMT10A c.206G>T variant is predicted to result in the amino acid substitution p.Arg69Leu. To our knowledge, this variant has not been reported in the literature. This variant is reported in 0.0057% of alleles in individuals of European (Non-Finnish) descent in gnomAD. At this time, the clinical significance of this variant is uncertain due to the absence of conclusive functional and genetic evidence.

Labcorp Genetics (formerly Invitae), Labcorp
Classification: Uncertain significance. Last evaluated: 2024-10-07. Review status: criteria provided, single submitter. Criteria: Invitae Variant Classification Sherloc (09022015). Collection method: clinical testing. Allele origin: germline.
Comment: This sequence change replaces arginine, which is basic and polar, with leucine, which is neutral and non-polar, at codon 69 of the TRMT10A protein (p.Arg69Leu). This variant is present in population databases (rs147815779, gnomAD 0.006%). This variant has not been reported in the literature in individuals affected with TRMT10A-related conditions. ClinVar contains an entry for this variant (Variation ID: 1434172). Invitae Evidence Modeling of protein sequence and biophysical properties (such as structural, functional, and spatial information, amino acid conservation, physicochemical variation, residue mobility, and thermodynamic stability) indicates that this missense variant is not expected to disrupt TRMT10A protein function with a negative predictive value of 80%. In summary, the available evidence is currently insufficient to determine the role of this variant in disease. Therefore, it has been classified as a Variant of Uncertain Significance.